The following is an entry in ClinVar:

NM_000214.3(JAG1):c.2489C>T (p.Ala830Val)

Gene: JAG1 (jagged canonical Notch ligand 1; minus strand). Cytogenetic location: 20p12.2.
Variant type: single nucleotide variant.
Coding change: c.2489C>T on transcript NM_000214.3 (MANE Select); coding-DNA position 2489, C replaced by T.
Protein change: p.Ala830Val; replaces alanine 830 with valine.
Molecular consequence: missense variant.
Genome position (GRCh38, 1-based): chr20:10,642,571, G>A on the plus strand (C>T on the coding strand, the complement: JAG1 is on the minus strand). VCF-style: chr20-10642571-G-A. GRCh37 (hg19) VCF-style: chr20-10623219-G-A.
Other names: short protein forms A830V.
Identifiers: ClinVar variation 1792029 (VCV001792029.4), dbSNP rs573313946, ClinGen allele CA311369102.

ClinVar aggregate classification (germline): Uncertain significance. Review status: criteria provided, multiple submitters, no conflicts (2 of 4 stars). 3 submissions from 3 submitters: Uncertain significance (3). Last evaluated 2025-07-25.

Conditions:
Alagille syndrome due to a JAG1 point mutation. Also called: Alagille Syndrome 1; JAG1-Related Alagille Syndrome; HEPATIC DUCTULAR HYPOPLASIA, SYNDROMATIC. Identifiers: Orphanet 261619, Orphanet 52, MedGen C1956125, MONDO:0016862, OMIM 118450.
Tetralogy of Fallot (TOF). Identifiers: Orphanet 3303, MedGen C0039685, MONDO:0008542, OMIM 187500, HP:0001636.
Charcot-Marie-Tooth disease, axonal, Type 2HH. Also called: CHARCOT-MARIE-TOOTH NEUROPATHY, TYPE 2HH. Identifiers: MedGen C5562003, MONDO:0030458, OMIM 619574.
Deafness, congenital heart defects, and posterior embryotoxon (DCHE). Identifiers: MedGen C1866053, MONDO:0060713, OMIM 617992.
Cardiovascular phenotype. Identifiers: MedGen CN230736.

Allele frequency attached by ClinVar (database versions not stated): gnomAD 0.00001; gnomAD exomes 0.00001.
gnomAD v4.1: 8 of 1,613,212 alleles (0.0005%); highest among the groups gnomAD compares: Non-Finnish European, 0.00051%; no homozygotes.

Submissions (3):

GeneDx
Classification: Uncertain significance. Last evaluated: 2025-07-25. Review status: criteria provided, single submitter. Criteria: GeneDx Variant Classification Process June 2021. Collection method: clinical testing. Allele origin: germline. Affected: yes.
Comment: Not observed at significant frequency in large population cohorts (gnomAD); In silico analysis supports that this missense variant has a deleterious effect on protein structure/function; Has not been previously published as pathogenic or benign to our knowledge

Fulgent Genetics
Classification: Uncertain significance for Alagille syndrome due to a JAG1 point mutation; Tetralogy of Fallot; Deafness, congenital heart defects, and posterior embryotoxon; Charcot-Marie-Tooth disease, axonal, Type 2HH. Last evaluated: 2024-03-31. Review status: criteria provided, single submitter. Criteria: ACMG Guidelines, 2015. Collection method: clinical testing. Allele origin: germline.

Ambry Genetics
Classification: Uncertain significance for Cardiovascular phenotype. Last evaluated: 2021-09-07. Review status: criteria provided, single submitter. Criteria: Ambry Variant Classification Scheme 2023. Collection method: clinical testing. Allele origin: germline.
Comment: The p.A830V variant (also known as c.2489C>T), located in coding exon 21 of the JAG1 gene, results from a C to T substitution at nucleotide position 2489. The alanine at codon 830 is replaced by valine, an amino acid with similar properties. This amino acid position is conserved. In addition, the in silico prediction for this alteration is inconclusive. Since supporting evidence is limited at this time, the clinical significance of this alteration remains unclear.